The following is an entry in ClinVar:

NM_002691.4(POLD1):c.32C>G (p.Pro11Arg)

Gene: POLD1 (DNA polymerase delta 1, catalytic subunit; plus strand). Cytogenetic location: 19q13.33.
Variant type: single nucleotide variant.
Coding change: c.32C>G on transcript NM_002691.4 (MANE Select); coding-DNA position 32, C replaced by G.
Protein change: p.Pro11Arg; replaces proline 11 with arginine.
Molecular consequence: missense variant. On other transcripts: non-coding transcript variant (1).
Genome position (GRCh38, 1-based): chr19:50,398,883, C>G. VCF-style: chr19-50398883-C-G. GRCh37 (hg19) VCF-style: chr19-50902140-C-G.
Other names: c.32C>G, p.Pro11Arg (NM_001256849.1, NM_001308632.1); short protein forms P11R.
Identifiers: ClinVar variation 3369402 (VCV003369402.1).

ClinVar aggregate classification (germline): Uncertain significance (1 of 4 stars; one submission).

Submission:

GeneDx
Classification: Uncertain significance. Last evaluated: 2024-02-21. Review status: criteria provided, single submitter. Criteria: GeneDx Variant Classification Process June 2021. Collection method: clinical testing. Allele origin: germline. Affected: yes.
Comment: Not observed at significant frequency in large population cohorts (gnomAD); In silico analysis supports that this missense variant does not alter protein structure/function; Has not been previously published as pathogenic or benign to our knowledge